The following is an entry in ClinVar:

ClinVar aggregate classification (germline): Uncertain significance. Review status: criteria provided, multiple submitters, no conflicts (2 of 4 stars). 2 submissions from 2 submitters: Uncertain significance (2). Last evaluated 2022-07-29.

Conditions:
Congenital myasthenic syndrome 10. Also called: Myasthenia, limb-girdle, familial. Identifiers: Orphanet 590, MedGen C1850792, MONDO:0009690, OMIM 254300.
Fetal akinesia deformation sequence 1 (FADS1). Also called: Pena-Shokeir syndrome type I; Fetal akinesia sequence. Identifiers: Orphanet 994, MedGen C1276035, MONDO:0100101, OMIM 208150, HP:0001989.

Allele frequency attached by ClinVar (database versions not stated): gnomAD exomes below 0.00001; gnomAD 0.00001; TOPMed 0.00001.
gnomAD v4.1: 3 of 1,587,948 alleles (0.00019%); highest among the groups gnomAD compares: Admixed American, 0.0052%; no homozygotes.

Submissions (2):

Labcorp Genetics (formerly Invitae), Labcorp
Classification: Uncertain significance for Congenital myasthenic syndrome 10; Fetal akinesia deformation sequence 1. Last evaluated: 2022-07-29. Review status: criteria provided, single submitter. Criteria: Invitae Variant Classification Sherloc (09022015). Collection method: clinical testing. Allele origin: germline.
Comment: In summary, the available evidence is currently insufficient to determine the role of this variant in disease. Therefore, it has been classified as a Variant of Uncertain Significance. Algorithms developed to predict the effect of missense changes on protein structure and function are either unavailable or do not agree on the potential impact of this missense change (SIFT: "Deleterious"; PolyPhen-2: "Probably Damaging"; Align-GVGD: "Class C0"). ClinVar contains an entry for this variant (Variation ID: 650871). This variant has not been reported in the literature in individuals affected with DOK7-related conditions. The frequency data for this variant in the population databases is considered unreliable, as metrics indicate poor data quality at this position in the gnomAD database. This sequence change replaces proline, which is neutral and non-polar, with serine, which is neutral and polar, at codon 217 of the DOK7 protein (p.Pro217Ser).

Revvity Omics, Revvity
Classification: Uncertain significance. Last evaluated: 2020-03-12. Review status: criteria provided, single submitter. Criteria: ACMG Guidelines, 2015. Collection method: clinical testing. Allele origin: germline.

NM_173660.5(DOK7):c.649C>T (p.Pro217Ser)

Gene: DOK7 (docking protein 7; plus strand). Cytogenetic location: 4p16.3.
Variant type: single nucleotide variant.
Coding change: c.649C>T on transcript NM_173660.5 (MANE Select); coding-DNA position 649, C replaced by T.
Protein change: p.Pro217Ser; replaces proline 217 with serine.
Molecular consequence: missense variant. On other transcripts: 5 prime UTR variant (1).
Genome position (GRCh38, 1-based): chr4:3,485,655, C>T. VCF-style: chr4-3485655-C-T. GRCh37 (hg19) VCF-style: chr4-3487382-C-T.
Other names: c.638C>T, p.Thr213Ile (NM_001164673.2); c.-282C>T (NM_001256896.2); c.649C>T, p.Pro217Ser (NM_001301071.2); c.217C>T, p.Pro73Ser (NM_001363811.2); short protein forms P73S, T213I, P217S.
Identifiers: ClinVar variation 650871 (VCV000650871.13), dbSNP rs1301546614, ClinGen allele CA356115149.